The following is an entry in ClinVar:

ClinVar aggregate classification (germline): Likely pathogenic (1 of 4 stars; one submission).

Allele frequency attached by ClinVar (database versions not stated): TOPMed below 0.00001.

Submission:

Labcorp Genetics (formerly Invitae), Labcorp
Classification: Likely pathogenic. Last evaluated: 2019-09-19. Review status: criteria provided, single submitter. Criteria: Invitae Variant Classification Sherloc (09022015). Collection method: clinical testing. Allele origin: germline.
Comment: In summary, the currently available evidence indicates that the variant is pathogenic, but additional data are needed to prove that conclusively. Therefore, this variant has been classified as Likely Pathogenic. Donor and acceptor splice site variants typically lead to a loss of protein function (PMID: 16199547), and loss-of-function variants in ORC1 are known to be pathogenic (PMID: 21358633). This variant has not been reported in the literature in individuals with ORC1-related disease. This variant is not present in population databases (ExAC no frequency). This sequence change affects an acceptor splice site in intron 8 of the ORC1 gene. It is expected to disrupt RNA splicing and likely results in an absent or disrupted protein product.

Literature cited by the submitters: PubMed 16199547; PubMed 21358633.

NM_004153.4(ORC1):c.1384-1G>C

Gene: ORC1 (origin recognition complex subunit 1; minus strand). Cytogenetic location: 1p32.3.
Variant type: single nucleotide variant.
Coding change: c.1384-1G>C on transcript NM_004153.4 (MANE Select); the canonical splice acceptor site of the intron before coding-DNA position 1384, G replaced by C.
Molecular consequence: splice acceptor variant.
Genome position (GRCh38, 1-based): chr1:52,385,950, C>G on the plus strand (G>C on the coding strand, the complement: ORC1 is on the minus strand). VCF-style: chr1-52385950-C-G. GRCh37 (hg19) VCF-style: chr1-52851622-C-G.
Other names: c.1384-1G>C (NM_001190818.2); c.1369-1G>C (NM_001190819.2).
Identifiers: ClinVar variation 942210 (VCV000942210.8), dbSNP rs1647138135, ClinGen allele CA340356053.
Genomic context (GRCh38, chr1:52,385,950, plus strand): 5'-GGCAGCCAGGCTTCGACTACGGATCTGAGGAGCGGCACAACGTGGCGTTCTAGGCTTGAG[C>G]TGTATTGAAAACAAAGAACATATTTCACAAGGAAAAAGCAAAACACCATCCAGGACACAC-3'